The following is an entry in ClinVar:

NM_015001.3(SPEN):c.8950C>T (p.Pro2984Ser)

Gene: SPEN (spen family transcriptional repressor; plus strand). Cytogenetic location: 1p36.13.
Variant type: single nucleotide variant.
Coding change: c.8950C>T on transcript NM_015001.3 (MANE Select); coding-DNA position 8950, C replaced by T.
Protein change: p.Pro2984Ser; replaces proline 2984 with serine.
Molecular consequence: missense variant.
Genome position (GRCh38, 1-based): chr1:15,935,190, C>T. VCF-style: chr1-15935190-C-T. GRCh37 (hg19) VCF-style: chr1-16261685-C-T.
Other names: c.8950C>T (NM_015001.2); short protein forms P2984S.
Identifiers: ClinVar variation 4957980 (VCV004957980.2).
Genomic context (GRCh38, chr1:15,935,190, plus strand): 5'-GTCACCCTTAAAATCGAGACCAAGGTCCTTCAGCCGGCCAACCTGGGGTCCACGCTCACG[C>T]CCCACCACCCTCCTGCTCTGCCCAGCAAACTGCCTACAGAAGTCAACCATGTCCCCTCGG-3'
Protein context (NP_055816.2, residues 2974-2994): QPANLGSTLT[Pro2984Ser]HHPPALPSKL

ClinVar aggregate classification (germline): Likely benign. Review status: criteria provided, multiple submitters, no conflicts (2 of 4 stars). 2 submissions from 2 submitters: Likely benign (2). Last evaluated 2025-01-24.

Conditions:
SPEN-related disorder. Also called: SPEN-related condition.

gnomAD v4.1: 379 of 1,614,054 alleles (0.023%); highest among the groups gnomAD compares: African/African-American, 0.42%; no homozygotes.

Submissions (2):

PreventionGenetics, part of Exact Sciences
Classification: Likely benign for SPEN-related condition. Last evaluated: 2025-01-24. Review status: criteria provided, single submitter. Criteria: ACMG Guidelines, 2015. Collection method: clinical testing. Allele origin: germline.
Comment: This variant is classified as likely benign based on ACMG/AMP sequence variant interpretation guidelines (Richards et al. 2015 PMID: 25741868, with internal and published modifications).

Blueprint Genetics
Classification: Likely benign. Last evaluated: 2024-10-18. Review status: criteria provided, single submitter. Criteria: ACMG Guidelines, 2015. Collection method: clinical testing. Allele origin: germline.